The following is an entry in ClinVar:

ClinVar aggregate classification (germline): Uncertain significance (1 of 4 stars; one submission).

Conditions:
POLD1-related polyposis and colorectal cancer syndrome (CRCS10). Also called: Colorectal cancer 10; COLORECTAL CANCER, SUSCEPTIBILITY TO, ON CHROMOSOME 19q; Colorectal cancer, susceptibility to, 10. Identifiers: Orphanet 220460, MedGen C2675481, MONDO:0012953, OMIM 612591.

Allele frequency attached by ClinVar (database versions not stated): gnomAD exomes below 0.00001.
gnomAD v4.1: 2 of 1,550,252 alleles (0.00013%); highest among the groups gnomAD compares: Non-Finnish European, 0.00017%; no homozygotes.

Submission:

Labcorp Genetics (formerly Invitae), Labcorp
Classification: Uncertain significance for POLD1-related polyposis and colorectal cancer syndrome. Last evaluated: 2025-11-04. Review status: criteria provided, single submitter. Criteria: Invitae Variant Classification Sherloc (09022015). Collection method: clinical testing. Allele origin: germline.
Comment: This sequence change falls in intron 24 of the POLD1 gene. It does not directly change the encoded amino acid sequence of the POLD1 protein. It affects a nucleotide within the consensus splice site. This variant is not present in population databases (gnomAD no frequency). This variant has not been reported in the literature in individuals affected with POLD1-related conditions. ClinVar contains an entry for this variant (Variation ID: 537169). Variants that disrupt the consensus splice site are a relatively common cause of aberrant splicing (PMID: 17576681, 9536098). Algorithms developed to predict the effect of sequence changes on RNA splicing suggest that this variant is not likely to affect RNA splicing. In summary, the available evidence is currently insufficient to determine the role of this variant in disease. Therefore, it has been classified as a Variant of Uncertain Significance.

Literature cited by the submitters: PubMed 17576681; PubMed 9536098.

NM_002691.4(POLD1):c.3068-3C>T

Gene: POLD1 (DNA polymerase delta 1, catalytic subunit; plus strand). Cytogenetic location: 19q13.33.
Variant type: single nucleotide variant.
Coding change: c.3068-3C>T on transcript NM_002691.4 (MANE Select); 3 bases into the intron before coding-DNA position 3068, C replaced by T.
Molecular consequence: intron variant.
Genome position (GRCh38, 1-based): chr19:50,417,042, C>T. VCF-style: chr19-50417042-C-T. GRCh37 (hg19) VCF-style: chr19-50920299-C-T.
Other names: c.3068-3C>T (NM_001256849.1, LRG_785t1); c.3146-3C>T (NM_001308632.1, LRG_785t2).
Identifiers: ClinVar variation 537169 (VCV000537169.8), dbSNP rs1555793559, ClinGen allele CA658799274.